The following is an entry in ClinVar:

NM_002972.4(SBF1):c.4437G>A (p.Val1479=)

Gene: SBF1 (SET binding factor 1; minus strand). Cytogenetic location: 22q13.33.
Variant type: single nucleotide variant.
Coding change: c.4437G>A on transcript NM_002972.4 (MANE Select); coding-DNA position 4437, G replaced by A.
Protein change: p.Val1479=; no amino-acid change (valine 1479 retained).
Molecular consequence: synonymous variant.
Genome position (GRCh38, 1-based): chr22:50,455,341, C>T on the plus strand (G>A on the coding strand, the complement: SBF1 is on the minus strand). VCF-style: chr22-50455341-C-T. GRCh37 (hg19) VCF-style: chr22-50893770-C-T.
Other names: c.4362G>A, p.Val1454= (NM_001365819.1).
Identifiers: ClinVar variation 618359 (VCV000618359.8), dbSNP rs1381685044, ClinGen allele CA515382739.

ClinVar aggregate classification (germline): Likely benign (1 of 4 stars; one submission).

Allele frequency attached by ClinVar (database versions not stated): gnomAD exomes below 0.00001; TOPMed below 0.00001; gnomAD 0.00001.
gnomAD v4.1: 4 of 1,613,488 alleles (0.00025%); highest among the groups gnomAD compares: African/African-American, 0.0013%; no homozygotes.

Submission:

ARUP Laboratories, Molecular Genetics and Genomics, ARUP Laboratories
Classification: Likely benign. Last evaluated: 2018-04-26. Review status: criteria provided, single submitter. Criteria: ARUP Molecular Germline Variant Investigation Process. Collection method: clinical testing. Allele origin: germline.
Comment: The c.4437G>A; p.Val1479Val variant does not alter the amino acid sequence of the SBF1 protein and computational splice site prediction algorithms do not predict a change in the nearest splice site or creation of a cryptic splice site. This variant has not been reported in association with neuropathy in medical literature or in gene specific variation databases. This variant is absent from the general population databases (1000 Genomes Project, Exome Variant Server, Genome Aggregation Database), indicating it is not a common polymorphism. Based on the available information, the c.4437G>A variant is likely to be benign.